The following is an entry in ClinVar:

ClinVar aggregate classification (germline): Uncertain significance (1 of 4 stars; one submission).

Submission:

GeneDx
Classification: Uncertain significance. Last evaluated: 2023-07-30. Review status: criteria provided, single submitter. Criteria: GeneDx Variant Classification Process June 2021. Collection method: clinical testing. Allele origin: germline. Affected: yes.
Comment: Not observed at significant frequency in large population cohorts (gnomAD); In silico analysis supports that this missense variant has a deleterious effect on protein structure/function; Has not been previously published as pathogenic or benign to our knowledge; Variants in candidate genes are classified as variants of uncertain significance in accordance with ACMG guidelines (Richards et al., 2015)

NM_001282874.2(SMARCA1):c.2733C>G (p.Asp911Glu)

Gene: SMARCA1 (SNF2 related chromatin remodeling ATPase 1; minus strand). Cytogenetic location: Xq25.
Variant type: single nucleotide variant.
Coding change: c.2733C>G on transcript NM_001282874.2 (MANE Select); coding-DNA position 2733, C replaced by G.
Protein change: p.Asp911Glu; replaces aspartic acid 911 with glutamic acid.
Molecular consequence: missense variant.
Genome position (GRCh38, 1-based): chrX:129,465,928, G>C on the plus strand (C>G on the coding strand, the complement: SMARCA1 is on the minus strand). VCF-style: chrX-129465928-G-C. GRCh37 (hg19) VCF-style: chrX-128599905-G-C.
Other names: c.2697C>G, p.Asp899Glu (NM_001282875.2, NM_001378262.1, NM_001378263.1 and 1 more transcripts); c.2733C>G, p.Asp911Glu (NM_001378261.1, NM_003069.5); short protein forms D899E, D911E.
Identifiers: ClinVar variation 3899520 (VCV003899520.1).
Genomic context (GRCh38, chrX:129,465,928, plus strand): 5'-ACTGATCCTTCGTTGAATTCTTGCTTCTCCACGTTCAATTTGAGCCATAATTTTCTCAAT[G>C]TCCTGTAATTCATTGCAACGTTCCCAAAATACAGCTGAAAAACAGAGTTATTTCTTTAAA-3'
Protein context (NP_001269803.1, residues 901-921): VFWERCNELQ[Asp911Glu]IEKIMAQIER